The following is an entry in ClinVar:

ClinVar aggregate classification (germline): Conflicting classifications of pathogenicity. Review status: criteria provided, conflicting classifications (1 of 4 stars). 6 submissions from 6 submitters: Uncertain significance (2); Likely benign (4). Last evaluated 2026-08-01.

Conditions:
Epilepsy, familial focal, with variable foci 3 (FFEVF3). Identifiers: MedGen C4310708, MONDO:0014925, OMIM 617118.
Inborn genetic diseases. Identifiers: MedGen C0950123, MeSH D030342.
NPRL3-related disorder. Also called: NPRL3-related condition.

Allele frequency attached by ClinVar (database versions not stated): gnomAD 0.00005; TOPMed 0.00007; gnomAD exomes 0.00012 and 0.00016; ExAC 0.00022.
gnomAD v4.1: 230 of 1,593,650 alleles (0.014%); highest among the groups gnomAD compares: Non-Finnish European, 0.018%; no homozygotes.

Submissions (6):

CeGaT Center for Human Genetics Tuebingen
Classification: Likely benign. Last evaluated: 2026-08-01. Review status: criteria provided, single submitter. Criteria: CeGaT Center For Human Genetics Tuebingen Variant Classification Criteria Version 2. Collection method: clinical testing. Allele origin: germline. Affected: yes. Observed: 2 variant alleles.
Comment: NPRL3: BP4, BS1

PreventionGenetics, part of Exact Sciences
Classification: Likely benign for NPRL3-related condition. Last evaluated: 2026-01-13. Review status: criteria provided, single submitter. Criteria: ACMG Guidelines, 2015. Collection method: clinical testing. Allele origin: germline.
Comment: This variant is classified as likely benign based on ACMG/AMP sequence variant interpretation guidelines (Richards et al. 2015 PMID: 25741868, with internal and published modifications).

Labcorp Genetics (formerly Invitae), Labcorp
Classification: Uncertain significance for Epilepsy, familial focal, with variable foci 3. Last evaluated: 2025-12-01. Review status: criteria provided, single submitter. Criteria: Invitae Variant Classification Sherloc (09022015). Collection method: clinical testing. Allele origin: germline.
Comment: This sequence change replaces glutamic acid, which is acidic and polar, with lysine, which is basic and polar, at codon 418 of the NPRL3 protein (p.Glu418Lys). This variant is present in population databases (rs547498080, gnomAD 0.02%). This variant has not been reported in the literature in individuals affected with NPRL3-related conditions. ClinVar contains an entry for this variant (Variation ID: 476218). Invitae Evidence Modeling of protein sequence and biophysical properties (such as structural, functional, and spatial information, amino acid conservation, physicochemical variation, residue mobility, and thermodynamic stability) indicates that this missense variant is not expected to disrupt NPRL3 protein function with a negative predictive value of 80%. In summary, the available evidence is currently insufficient to determine the role of this variant in disease. Therefore, it has been classified as a Variant of Uncertain Significance.

Ambry Genetics
Classification: Likely benign for Inborn genetic diseases. Last evaluated: 2023-09-22. Review status: criteria provided, single submitter. Criteria: Ambry Variant Classification Scheme 2023. Collection method: clinical testing. Allele origin: germline.

Center for Genomics, Ann and Robert H. Lurie Children's Hospital of Chicago
Classification: Uncertain significance for Epilepsy, familial focal, with variable foci 3. Last evaluated: 2022-01-12. Review status: criteria provided, single submitter. Criteria: ACMG Guidelines, 2015. Collection method: clinical testing. Allele origin: germline.
Comment: This variant has not been reported in the literature but is present in 0.008% (6/68020) of European alleles in the Genome Aggregation Database. This variant is present in ClinVar (Variation ID:476218). Evolutionary conservation for this variant is unclear; computational predictive tools suggest that this variant may impact the protein. In summary, data on this variant is insufficient for disease classification. Therefore, the clinical significance of this variant is uncertain.

GeneDx
Classification: Likely benign. Last evaluated: 2020-11-12. Review status: criteria provided, single submitter. Criteria: GeneDx Variant Classification Process June 2021. Collection method: clinical testing. Allele origin: germline. Affected: yes.

NM_001077350.3(NPRL3):c.1252G>A (p.Glu418Lys)

Genes: HBA-LCR (alpha-globin locus control region; plus strand), NPRL3 (NPR3 like, GATOR1 complex subunit; minus strand). Cytogenetic location: 16p13.3.
Variant type: single nucleotide variant.
Coding change: c.1252G>A on transcript NM_001077350.3 (MANE Select); coding-DNA position 1252, G replaced by A.
Protein change: p.Glu418Lys; replaces glutamic acid 418 with lysine.
Molecular consequence: missense variant.
Genome position (GRCh38, 1-based): chr16:89,812, C>T on the plus strand (G>A on the coding strand, the complement: NPRL3 is on the minus strand). VCF-style: chr16-89812-C-T. GRCh37 (hg19) VCF-style: chr16-139810-C-T.
Other names: c.715G>A, p.Glu239Lys (NM_001039476.3); c.1018G>A, p.Glu340Lys (NM_001243247.2); c.1177G>A, p.Glu393Lys (NM_001243248.2, NM_001243249.2); short protein forms E418K, E393K, E239K, E340K.
Identifiers: ClinVar variation 476218 (VCV000476218.46), dbSNP rs547498080, ClinGen allele CA7769402.